The following is an entry in ClinVar:

NM_000548.5(TSC2):c.1714C>T (p.Gln572Ter)

Gene: TSC2 (TSC complex subunit 2; plus strand). Cytogenetic location: 16p13.3.
Variant type: single nucleotide variant.
Coding change: c.1714C>T on transcript NM_000548.5 (MANE Select); coding-DNA position 1714, C replaced by T.
Protein change: p.Gln572Ter; replaces glutamine 572 with a stop codon.
Molecular consequence: nonsense.
Genome position (GRCh38, 1-based): chr16:2,065,633, C>T. VCF-style: chr16-2065633-C-T. GRCh37 (hg19) VCF-style: chr16-2115634-C-T.
Other names: c.1714C>T, p.Gln572Ter (NM_001077183.3, NM_001114382.3, NM_001363528.2 and 3 more transcripts); c.1603C>T, p.Gln535Ter (NM_001318827.2); c.1567C>T, p.Gln523Ter (NM_001318829.2); c.1114C>T, p.Gln372Ter (NM_001318831.2); c.1747C>T, p.Gln583Ter (NM_001318832.2); short protein forms Q535*, Q572*, Q583*, Q372*, Q523*.
Identifiers: ClinVar variation 943529 (VCV000943529.9), dbSNP rs2087242404, ClinGen allele CA394270749.

ClinVar aggregate classification (germline): Pathogenic (1 of 4 stars; one submission).

Conditions:
Tuberous sclerosis 2 (TSC2). Identifiers: Orphanet 805, MedGen C1860707, MONDO:0013199, OMIM 613254.

Submission:

Labcorp Genetics (formerly Invitae), Labcorp
Classification: Pathogenic for Tuberous sclerosis 2. Last evaluated: 2025-10-01. Review status: criteria provided, single submitter. Criteria: Invitae Variant Classification Sherloc (09022015). Collection method: clinical testing. Allele origin: germline.
Comment: This sequence change creates a premature translational stop signal (p.Gln572*) in the TSC2 gene. It is expected to result in an absent or disrupted protein product. Loss-of-function variants in TSC2 are known to be pathogenic (PMID: 10205261, 17304050). This variant is not present in population databases (gnomAD no frequency). This premature translational stop signal has been observed in individual(s) with clinical features of tuberous sclerosis complex (PMID: 19254590, 28087349; internal data). ClinVar contains an entry for this variant (Variation ID: 943529). For these reasons, this variant has been classified as Pathogenic.

Literature cited by the submitters: PubMed 10205261; PubMed 17304050; PubMed 19254590; PubMed 28087349.